The following is an entry in ClinVar:

ClinVar aggregate classification (germline): Uncertain significance (1 of 4 stars; one submission).

Allele frequency attached by ClinVar (database versions not stated): gnomAD exomes below 0.00001 and 0.00001; ExAC 0.00001.
gnomAD v4.1: 15 of 1,613,908 alleles (0.00093%); highest among the groups gnomAD compares: Non-Finnish European, 0.0012%; no homozygotes.

Submission:

Labcorp Genetics (formerly Invitae), Labcorp
Classification: Uncertain significance. Last evaluated: 2021-05-01. Review status: criteria provided, single submitter. Criteria: Invitae Variant Classification Sherloc (09022015). Collection method: clinical testing. Allele origin: germline.
Comment: In summary, the available evidence is currently insufficient to determine the role of this variant in disease. Therefore, it has been classified as a Variant of Uncertain Significance. Algorithms developed to predict the effect of missense changes on protein structure and function are either unavailable or do not agree on the potential impact of this missense change (SIFT: "Deleterious"; PolyPhen-2: "Benign"; Align-GVGD: "Class C0"). This variant has not been reported in the literature in individuals with HPS5-related conditions. This variant is present in population databases (rs777469108, ExAC 0.002%). This sequence change replaces leucine with phenylalanine at codon 25 of the HPS5 protein (p.Leu25Phe). The leucine residue is highly conserved and there is a small physicochemical difference between leucine and phenylalanine.

NM_181507.2(HPS5):c.73C>T (p.Leu25Phe)

Gene: HPS5 (HPS5 biogenesis of lysosomal organelles complex 2 subunit 2; minus strand). Cytogenetic location: 11p15.1.
Variant type: single nucleotide variant.
Coding change: c.73C>T on transcript NM_181507.2 (MANE Select); coding-DNA position 73, C replaced by T.
Protein change: p.Leu25Phe; replaces leucine 25 with phenylalanine.
Molecular consequence: missense variant. On other transcripts: 5 prime UTR variant (3), intron variant (14).
Genome position (GRCh38, 1-based): chr11:18,317,786, G>A on the plus strand (C>T on the coding strand, the complement: HPS5 is on the minus strand). VCF-style: chr11-18317786-G-A. GRCh37 (hg19) VCF-style: chr11-18339333-G-A.
Other names: c.73C>T, p.Leu25Phe (NM_001440902.1, NM_001440903.1, NM_001440904.1 and 9 more transcripts); c.-119C>T (NM_001440907.1, NM_001440908.1, NM_001440918.1); c.-124+4347C>T (NM_001440929.1); c.-235+4347C>T (NM_181508.2, NM_001440921.1); c.-124+4291C>T (NM_001440926.1); c.-235+4291C>T (NM_001440925.1, NM_001440920.1); c.-124+4160C>T (NM_001440928.1, NM_001440922.1); c.-235+4160C>T (NM_001440927.1, NM_001440930.1, NM_007216.4 and 2 more transcripts); and 1 more; short protein forms L25F.
Identifiers: ClinVar variation 1487893 (VCV001487893.8), dbSNP rs777469108, ClinGen allele CA5910588.